The following is an entry in ClinVar:

ClinVar aggregate classification (germline): Uncertain significance (1 of 4 stars; one submission).

Submission:

GeneDx
Classification: Uncertain significance. Last evaluated: 2024-09-23. Review status: criteria provided, single submitter. Criteria: GeneDx Variant Classification Process June 2021. Collection method: clinical testing. Allele origin: germline. Affected: yes.
Comment: Not observed at significant frequency in large population cohorts (gnomAD); In silico analysis supports that this missense variant has a deleterious effect on protein structure/function; Reported in a patient with autism spectrum disorder; however, familial segregation information and additional clinical information were not included (PMID: 34615535); This variant is associated with the following publications: (PMID: 34615535)

NM_001170629.2(CHD8):c.2182A>G (p.Arg728Gly)

Gene: CHD8 (chromodomain helicase DNA binding protein 8; minus strand). Cytogenetic location: 14q11.2.
Variant type: single nucleotide variant.
Coding change: c.2182A>G on transcript NM_001170629.2 (MANE Select); coding-DNA position 2182, A replaced by G.
Protein change: p.Arg728Gly; replaces arginine 728 with glycine.
Molecular consequence: missense variant.
Genome position (GRCh38, 1-based): chr14:21,412,957, T>C on the plus strand (A>G on the coding strand, the complement: CHD8 is on the minus strand). VCF-style: chr14-21412957-T-C. GRCh37 (hg19) VCF-style: chr14-21881116-T-C.
Other names: c.1345A>G, p.Arg449Gly (NM_020920.4); short protein forms R449G, R728G.
Identifiers: ClinVar variation 3774028 (VCV003774028.1).